The following is an entry in ClinVar:

NM_030962.4(SBF2):c.4443+6T>C

Genes: SBF2 (SET binding factor 2; minus strand), SBF2-AS1 (SBF2 antisense RNA 1; plus strand). Cytogenetic location: 11p15.4.
Variant type: single nucleotide variant.
Coding change: c.4443+6T>C on transcript NM_030962.4 (MANE Select); 6 bases into the intron after coding-DNA position 4443, T replaced by C.
Molecular consequence: intron variant. On other transcripts: non-coding transcript variant (1).
Genome position (GRCh38, 1-based): chr11:9,807,994, A>G on the plus strand (T>C on the coding strand, the complement: SBF2 is on the minus strand). VCF-style: chr11-9807994-A-G. GRCh37 (hg19) VCF-style: chr11-9829541-A-G.
Other names: c.4314+6T>C (NM_001386342.1); c.4539+6T>C (NM_001386339.1).
Identifiers: ClinVar variation 658401 (VCV000658401.8), dbSNP rs1450773584, ClinGen allele CA473057170.

ClinVar aggregate classification (germline): Uncertain significance (1 of 4 stars; one submission).

Conditions:
Charcot-Marie-Tooth disease type 4. Also called: Charcot-Marie-Tooth, Type 4; Charcot-Marie-Tooth disease, type IV. Identifiers: Orphanet 64749, MedGen C4082197, MONDO:0018995.

Allele frequency attached by ClinVar (database versions not stated): gnomAD exomes below 0.00001; TOPMed below 0.00001; gnomAD 0.00001.
gnomAD v4.1: 2 of 1,613,520 alleles (0.00012%); highest among the groups gnomAD compares: African/African-American, 0.0027%; no homozygotes.

Submission:

Labcorp Genetics (formerly Invitae), Labcorp
Classification: Uncertain significance for Charcot-Marie-Tooth disease type 4. Last evaluated: 2021-08-30. Review status: criteria provided, single submitter. Criteria: Invitae Variant Classification Sherloc (09022015). Collection method: clinical testing. Allele origin: germline.
Comment: This sequence change falls in intron 32 of the SBF2 gene. It does not directly change the encoded amino acid sequence of the SBF2 protein. It affects a nucleotide within the consensus splice site of the intron. This variant is not present in population databases (ExAC no frequency). This variant has not been reported in the literature in individuals affected with SBF2-related conditions. Variants that disrupt the consensus splice site are a relatively common cause of aberrant splicing (PMID: 17576681, 9536098). Algorithms developed to predict the effect of sequence changes on RNA splicing suggest that this variant is not likely to affect RNA splicing. In summary, the available evidence is currently insufficient to determine the role of this variant in disease. Therefore, it has been classified as a Variant of Uncertain Significance.

Literature cited by the submitters: PubMed 17576681; PubMed 9536098.